The following is an entry in ClinVar:

ClinVar aggregate classification (germline): Uncertain significance (1 of 4 stars; one submission).

Allele frequency attached by ClinVar (database versions not stated): gnomAD 0.00001.
gnomAD v4.1: 3 of 1,613,806 alleles (0.00019%); highest among the groups gnomAD compares: African/African-American, 0.0027%; no homozygotes.

Submission:

GeneDx
Classification: Uncertain significance. Last evaluated: 2022-08-11. Review status: criteria provided, single submitter. Criteria: GeneDx Variant Classification Process June 2021. Collection method: clinical testing. Allele origin: germline. Affected: yes.
Comment: Not observed at significant frequency in large population cohorts (gnomAD); In silico analysis supports that this missense variant does not alter protein structure/function; Has not been previously published as pathogenic or benign to our knowledge

NM_006035.4(CDC42BPB):c.2965G>A (p.Val989Met)

Gene: CDC42BPB (CDC42 binding protein kinase beta; minus strand). Cytogenetic location: 14q32.32.
Variant type: single nucleotide variant.
Coding change: c.2965G>A on transcript NM_006035.4 (MANE Select); coding-DNA position 2965, G replaced by A.
Protein change: p.Val989Met; replaces valine 989 with methionine.
Molecular consequence: missense variant.
Genome position (GRCh38, 1-based): chr14:102,954,625, C>T on the plus strand (G>A on the coding strand, the complement: CDC42BPB is on the minus strand). VCF-style: chr14-102954625-C-T. GRCh37 (hg19) VCF-style: chr14-103420962-C-T.
Other names: c.2965G>A, p.Val989Met (NM_001411054.1); short protein forms V989M.
Identifiers: ClinVar variation 2429710 (VCV002429710.1), dbSNP rs1456240485, ClinGen allele CA391079840.
Genomic context (GRCh38, chr14:102,954,625, plus strand): 5'-CCCAGGTGGGAGCATCACCAGGGCAACGCTGTCTCACCTCCTGCTGCTCTGATGCAGCCA[C>T]AGACATCGACGGGGACGCTTCTGGCTTCGGAGCTTGTGTTTCTTGCTCACTAGCTGAGCT-3'
Protein context (NP_006026.3, residues 979-999): PKPEASPSMS[Val989Met]AASEQQEDMA